The following is an entry in ClinVar:

NM_001048174.2(MUTYH):c.888G>C (p.Ser296=)

Gene: MUTYH (mutY DNA glycosylase; minus strand). Cytogenetic location: 1p34.1.
Variant type: single nucleotide variant.
Coding change: c.888G>C on transcript NM_001048174.2 (MANE Select); coding-DNA position 888, G replaced by C.
Protein change: p.Ser296=; no amino-acid change (serine 296 retained).
Molecular consequence: synonymous variant. On other transcripts: non-coding transcript variant (2).
Genome position (GRCh38, 1-based): chr1:45,332,048, C>G on the plus strand (G>C on the coding strand, the complement: MUTYH is on the minus strand). VCF-style: chr1-45332048-C-G. GRCh37 (hg19) VCF-style: chr1-45797720-C-G.
Other names: c.888G>C, p.Ser296= (NM_001048171.2, NM_001048173.2, NM_001293195.2); c.891G>C, p.Ser297= (NM_001048172.2); c.972G>C, p.Ser324= (NM_001128425.2); c.933G>C, p.Ser311= (NM_001293190.2); c.921G>C, p.Ser307= (NM_001293191.2); c.612G>C, p.Ser204= (NM_001293192.2, NM_001293196.2); c.543G>C, p.Ser181= (NM_001350650.2, NM_001350651.2); c.963G>C, p.Ser321= (NM_012222.3).
Identifiers: ClinVar variation 231895 (VCV000231895.20), dbSNP rs771683103, ClinGen allele CA059829.

ClinVar aggregate classification (germline): Likely benign. Review status: criteria provided, multiple submitters, no conflicts (2 of 4 stars). 5 submissions from 5 submitters: Likely benign (5). Last evaluated 2026-01-13.

Conditions:
Hereditary cancer-predisposing syndrome. Also called: Tumor predisposition; Hereditary Cancer Syndrome; Neoplastic Syndromes, Hereditary; Hereditary neoplastic syndrome. Identifiers: Orphanet 140162, MedGen C0027672, MeSH D009386, MONDO:0015356.
Familial adenomatous polyposis 2. Also called: MYH-associated polyposis; FAP type 2; ADENOMAS, MULTIPLE COLORECTAL, AUTOSOMAL RECESSIVE; MUTYH Polyposis; MUTYH-associated polyposis; MUTYH-related attenuated familial adenomatous polyposis. Identifiers: Orphanet 220460, Orphanet 247798, MedGen C3272841, MONDO:0012041, OMIM 608456.

Allele frequency attached by ClinVar (database versions not stated): TOPMed 0.00002; gnomAD 0.00003 and 0.00004.

Submissions (5):

Labcorp Genetics (formerly Invitae), Labcorp
Classification: Likely benign for Familial adenomatous polyposis 2. Last evaluated: 2026-01-13. Review status: criteria provided, single submitter. Criteria: Invitae Variant Classification Sherloc (09022015). Collection method: clinical testing. Allele origin: germline.

All of Us Research Program, National Institutes of Health
Classification: Likely benign for Familial adenomatous polyposis 2. Last evaluated: 2023-02-24. Review status: criteria provided, single submitter. Criteria: ACMG Guidelines, 2015. Collection method: clinical testing. Allele origin: germline. Inheritance: Autosomal recessive inheritance. Observed: 1 variant allele, 1 heterozygote.
Comment: This study involves interpretation of variants in research participants for the purpose of population health screening. Participant phenotype was not available at the time of variant classification. Additional details can be found in publication PMID: 35346344, PMCID: PMC8962531

Women's Health and Genetics/Laboratory Corporation of America, LabCorp
Classification: Likely benign. Last evaluated: 2023-01-06. Review status: criteria provided, single submitter. Criteria: LabCorp Variant Classification Summary - May 2015. Collection method: clinical testing. Allele origin: germline.

Color Diagnostics, LLC DBA Color Health
Classification: Likely benign for Hereditary cancer-predisposing syndrome. Last evaluated: 2016-07-27. Review status: criteria provided, single submitter. Criteria: ACMG Guidelines, 2015. Collection method: clinical testing. Allele origin: germline.

Ambry Genetics
Classification: Likely benign for Hereditary cancer-predisposing syndrome. Last evaluated: 2015-05-18. Review status: criteria provided, single submitter. Criteria: Ambry Variant Classification Scheme 2023. Collection method: clinical testing. Allele origin: germline.